The following is an entry in ClinVar:

ClinVar aggregate classification (germline): Uncertain significance. Review status: criteria provided, multiple submitters, no conflicts (2 of 4 stars). 4 submissions from 4 submitters: Uncertain significance (4). Last evaluated 2025-11-16.

Conditions:
Global developmental delay - lung cysts - overgrowth - Wilms tumor syndrome. Also called: GLOBAL DEVELOPMENTAL DELAY, LUNG CYSTS, OVERGROWTH, AND WILMS TUMOR; GLOW Syndrome. Identifiers: Orphanet 404476, MedGen C4748924, MONDO:0018445, OMIM 618272.
Hereditary cancer-predisposing syndrome. Also called: Neoplastic Syndromes, Hereditary; Tumor predisposition; Hereditary Cancer Syndrome; Hereditary neoplastic syndrome. Identifiers: Orphanet 140162, MedGen C0027672, MeSH D009386, MONDO:0015356.
DICER1-related tumor predisposition. Also called: DICER1-related pleuropulmonary blastoma cancer predisposition syndrome; DICER1 syndrome. Identifiers: Orphanet 284343, MedGen C3839822, MONDO:0100216.

Allele frequency attached by ClinVar (database versions not stated): TOPMed 0.00001.
gnomAD v4.1: 7 of 1,614,008 alleles (0.00043%); highest among the groups gnomAD compares: African/African-American, 0.0013%; no homozygotes.

Submissions (4):

Labcorp Genetics (formerly Invitae), Labcorp
Classification: Uncertain significance for DICER1-related tumor predisposition. Last evaluated: 2025-11-16. Review status: criteria provided, single submitter. Criteria: Invitae Variant Classification Sherloc (09022015). Collection method: clinical testing. Allele origin: germline.
Comment: This sequence change replaces glutamic acid, which is acidic and polar, with lysine, which is basic and polar, at codon 1159 of the DICER1 protein (p.Glu1159Lys). This variant is present in population databases (rs145693584, gnomAD 0.002%). This variant has not been reported in the literature in individuals affected with DICER1-related conditions. ClinVar contains an entry for this variant (Variation ID: 543577). Invitae Evidence Modeling of protein sequence and biophysical properties (such as structural, functional, and spatial information, amino acid conservation, physicochemical variation, residue mobility, and thermodynamic stability) indicates that this missense variant is not expected to disrupt DICER1 protein function with a negative predictive value of 95%. In summary, the available evidence is currently insufficient to determine the role of this variant in disease. Therefore, it has been classified as a Variant of Uncertain Significance.

Ambry Genetics
Classification: Uncertain significance for Hereditary cancer-predisposing syndrome. Last evaluated: 2025-03-07. Review status: criteria provided, single submitter. Criteria: Ambry Variant Classification Scheme 2023. Collection method: clinical testing. Allele origin: germline.
Comment: The p.E1159K variant (also known as c.3475G>A), located in coding exon 20 of the DICER1 gene, results from a G to A substitution at nucleotide position 3475. The glutamic acid at codon 1159 is replaced by lysine, an amino acid with similar properties. This amino acid position is not well conserved in available vertebrate species. In addition, this alteration is predicted to be tolerated by in silico analysis. Since supporting evidence is limited at this time, the clinical significance of this alteration remains unclear.

Center for Genomic Medicine, Rigshospitalet, Copenhagen University Hospital
Classification: Uncertain significance. Last evaluated: 2025-03-04. Review status: criteria provided, single submitter. Criteria: ACMG Guidelines, 2015. Collection method: clinical testing. Allele origin: germline.
Comment: Classification criteria: BP4_supporting

Baylor Genetics
Classification: Uncertain significance for Global developmental delay - lung cysts - overgrowth - Wilms tumor syndrome. Last evaluated: 2023-12-19. Review status: criteria provided, single submitter. Criteria: ACMG Guidelines, 2015. Collection method: clinical testing. Allele origin: unknown.

NM_177438.3(DICER1):c.3475G>A (p.Glu1159Lys)

Gene: DICER1 (dicer 1, ribonuclease III; minus strand). Cytogenetic location: 14q32.13.
Variant type: single nucleotide variant.
Coding change: c.3475G>A on transcript NM_177438.3 (MANE Select); coding-DNA position 3475, G replaced by A.
Protein change: p.Glu1159Lys; replaces glutamic acid 1159 with lysine.
Molecular consequence: missense variant.
Genome position (GRCh38, 1-based): chr14:95,103,921, C>T on the plus strand (G>A on the coding strand, the complement: DICER1 is on the minus strand). VCF-style: chr14-95103921-C-T. GRCh37 (hg19) VCF-style: chr14-95570258-C-T.
Other names: c.3475G>A, p.Glu1159Lys (NM_030621.4, NM_001195573.1, NM_001271282.3 and 1 more transcripts); short protein forms E1159K.
Identifiers: ClinVar variation 543577 (VCV000543577.18), dbSNP rs145693584, ClinGen allele CA7331035.